The following is an entry in ClinVar:

NM_003705.5(SLC25A12):c.182C>T (p.Ala61Val)

Gene: SLC25A12 (solute carrier family 25 member 12; minus strand). Cytogenetic location: 2q31.1.
Variant type: single nucleotide variant.
Coding change: c.182C>T on transcript NM_003705.5 (MANE Select); coding-DNA position 182, C replaced by T.
Protein change: p.Ala61Val; replaces alanine 61 with valine.
Molecular consequence: missense variant. On other transcripts: non-coding transcript variant (1).
Genome position (GRCh38, 1-based): chr2:171,868,708, G>A on the plus strand (C>T on the coding strand, the complement: SLC25A12 is on the minus strand). VCF-style: chr2-171868708-G-A. GRCh37 (hg19) VCF-style: chr2-172725218-G-A.
Other names: short protein forms A61V.
Identifiers: ClinVar variation 942941 (VCV000942941.9), dbSNP rs1685396498, ClinGen allele CA349636564.
Genomic context (GRCh38, chr2:171,868,708, plus strand): 5'-ATTAGTTTTCAGAAAATGCATGAAGATACTTACCCATCCTTGGTTTGATCAGCTACTCCT[G>A]CCAAGAGCTGCACGATCTTTGGGTTACTATTTGGATCATTATACAGTCCAAGATAGCGCT-3'
Protein context (NP_003696.2, residues 51-71): NSNPKIVQLL[Ala61Val]GVADQTKDGL

ClinVar aggregate classification (germline): Uncertain significance (1 of 4 stars; one submission).

Submission:

Labcorp Genetics (formerly Invitae), Labcorp
Classification: Uncertain significance. Last evaluated: 2019-11-07. Review status: criteria provided, single submitter. Criteria: Invitae Variant Classification Sherloc (09022015). Collection method: clinical testing. Allele origin: germline.
Comment: In summary, the available evidence is currently insufficient to determine the role of this variant in disease. Therefore, it has been classified as a Variant of Uncertain Significance. This sequence change replaces alanine with valine at codon 61 of the SLC25A12 protein (p.Ala61Val). The alanine residue is highly conserved and there is a small physicochemical difference between alanine and valine. This variant is not present in population databases (ExAC no frequency). This variant has not been reported in the literature in individuals with SLC25A12-related conditions. Algorithms developed to predict the effect of missense changes on protein structure and function are either unavailable or do not agree on the potential impact of this missense change (SIFT: "Deleterious"; PolyPhen-2: "Possibly Damaging"; Align-GVGD: "Class C0"). Algorithms developed to predict the effect of sequence changes on RNA splicing suggest that this variant may create or strengthen a splice site, but this prediction has not been confirmed by published transcriptional studies.